The following is an entry in ClinVar:

ClinVar aggregate classification (germline): Uncertain significance (1 of 4 stars; one submission).

Conditions:
Developmental and epileptic encephalopathy, 9 (DEE9). Also called: Early infantile epileptic encephalopathy 9; JUBERG-HELLMAN SYNDROME; PCDH19-Related X-Linked Female-Limited Epilepsy with Mental Retardation; EPILEPSY, FEMALE-RESTRICTED, WITH MENTAL RETARDATION. Identifiers: Orphanet 101039, Orphanet 2076, MedGen C1848137, MONDO:0010246, OMIM 300088. Disease mechanism: loss of function.

Submission:

Labcorp Genetics (formerly Invitae), Labcorp
Classification: Uncertain significance for Developmental and epileptic encephalopathy, 9. Last evaluated: 2022-06-20. Review status: criteria provided, single submitter. Criteria: Invitae Variant Classification Sherloc (09022015). Collection method: clinical testing. Allele origin: germline.
Comment: This sequence change replaces alanine, which is neutral and non-polar, with valine, which is neutral and non-polar, at codon 68 of the PCDH19 protein (p.Ala68Val). This variant is not present in population databases (gnomAD no frequency). This variant has not been reported in the literature in individuals affected with PCDH19-related conditions. Advanced modeling of protein sequence and biophysical properties (such as structural, functional, and spatial information, amino acid conservation, physicochemical variation, residue mobility, and thermodynamic stability) performed at Invitae indicates that this missense variant is not expected to disrupt PCDH19 protein function. In summary, the available evidence is currently insufficient to determine the role of this variant in disease. Therefore, it has been classified as a Variant of Uncertain Significance.

NM_001184880.2(PCDH19):c.203C>T (p.Ala68Val)

Gene: PCDH19 (protocadherin 19; minus strand). Cytogenetic location: Xq22.1.
Variant type: single nucleotide variant.
Coding change: c.203C>T on transcript NM_001184880.2 (MANE Select); coding-DNA position 203, C replaced by T.
Protein change: p.Ala68Val; replaces alanine 68 with valine.
Molecular consequence: missense variant.
Genome position (GRCh38, 1-based): chrX:100,408,395, G>A on the plus strand (C>T on the coding strand, the complement: PCDH19 is on the minus strand). VCF-style: chrX-100408395-G-A. GRCh37 (hg19) VCF-style: chrX-99663393-G-A.
Other names: c.203C>T, p.Ala68Val (NM_001105243.2, NM_020766.3); short protein forms A68V.
Identifiers: ClinVar variation 1474916 (VCV001474916.8), dbSNP rs1928473737, ClinGen allele CA414011163.